The following is an entry in ClinVar:

NM_005560.6(LAMA5):c.3346G>A (p.Ala1116Thr)

Gene: LAMA5 (laminin subunit alpha 5; minus strand). Cytogenetic location: 20q13.33.
Variant type: single nucleotide variant.
Coding change: c.3346G>A on transcript NM_005560.6 (MANE Select); coding-DNA position 3346, G replaced by A.
Protein change: p.Ala1116Thr; replaces alanine 1116 with threonine.
Molecular consequence: missense variant.
Genome position (GRCh38, 1-based): chr20:62,332,654, C>T on the plus strand (G>A on the coding strand, the complement: LAMA5 is on the minus strand). VCF-style: chr20-62332654-C-T. GRCh37 (hg19) VCF-style: chr20-60907710-C-T.
Other names: short protein forms A1116T.
Identifiers: ClinVar variation 3014892 (VCV003014892.3), dbSNP rs755003891, ClinGen allele CA9943041.

ClinVar aggregate classification (germline): Uncertain significance (1 of 4 stars; one submission).

Allele frequency attached by ClinVar (database versions not stated): gnomAD 0.00001; TOPMed 0.00003; gnomAD exomes 0.00004; ExAC 0.00005.
gnomAD v4.1: 56 of 1,609,564 alleles (0.0035%); highest among the groups gnomAD compares: Non-Finnish European, 0.0044%; no homozygotes.

Submission:

Labcorp Genetics (formerly Invitae), Labcorp
Classification: Uncertain significance. Last evaluated: 2024-05-02. Review status: criteria provided, single submitter. Criteria: Invitae Variant Classification Sherloc (09022015). Collection method: clinical testing. Allele origin: germline.
Comment: This sequence change replaces alanine, which is neutral and non-polar, with threonine, which is neutral and polar, at codon 1116 of the LAMA5 protein (p.Ala1116Thr). This variant is present in population databases (rs755003891, gnomAD 0.006%). This variant has not been reported in the literature in individuals affected with LAMA5-related conditions. An algorithm developed to predict the effect of missense changes on protein structure and function (PolyPhen-2) suggests that this variant is likely to be disruptive. In summary, the available evidence is currently insufficient to determine the role of this variant in disease. Therefore, it has been classified as a Variant of Uncertain Significance.